The following is an entry in ClinVar:

ClinVar aggregate classification (germline): Uncertain significance. Review status: criteria provided, multiple submitters, no conflicts (2 of 4 stars). 2 submissions from 2 submitters: Uncertain significance (2). Last evaluated 2023-04-28.

Allele frequency attached by ClinVar (database versions not stated): gnomAD exomes below 0.00001; TOPMed below 0.00001; gnomAD 0.00001.
gnomAD v4.1: 1 of 1,614,002 alleles (0.000062%); highest among the groups gnomAD compares: Non-Finnish European, 0.000085%; no homozygotes.

Submissions (2):

Mayo Clinic Laboratories, Mayo Clinic
Classification: Uncertain significance. Last evaluated: 2023-04-28. Review status: criteria provided, single submitter. Criteria: ACMG Guidelines, 2015. Collection method: clinical testing. Allele origin: germline. Observed: 1 variant allele.
Comment: BP4, PM2

Labcorp Genetics (formerly Invitae), Labcorp
Classification: Uncertain significance. Last evaluated: 2022-09-08. Review status: criteria provided, single submitter. Criteria: Invitae Variant Classification Sherloc (09022015). Collection method: clinical testing. Allele origin: germline.
Comment: In summary, the available evidence is currently insufficient to determine the role of this variant in disease. Therefore, it has been classified as a Variant of Uncertain Significance. Algorithms developed to predict the effect of missense changes on protein structure and function (SIFT, PolyPhen-2, Align-GVGD) all suggest that this variant is likely to be tolerated. ClinVar contains an entry for this variant (Variation ID: 1352798). This variant has not been reported in the literature in individuals affected with LPIN1-related conditions. This variant is not present in population databases (gnomAD no frequency). This sequence change replaces glutamine, which is neutral and polar, with histidine, which is basic and polar, at codon 440 of the LPIN1 protein (p.Gln440His).

NM_001349206.2(LPIN1):c.1428G>C (p.Gln476His)

Genes: LPIN1 (lipin 1; plus strand), LOC122756382 (Sharpr-MPRA regulatory region 7856; plus strand). Cytogenetic location: 2p25.1.
Variant type: single nucleotide variant.
Coding change: c.1428G>C on transcript NM_001349206.2 (MANE Select); coding-DNA position 1428, G replaced by C.
Protein change: p.Gln476His; replaces glutamine 476 with histidine.
Molecular consequence: missense variant. On other transcripts: non-coding transcript variant (1).
Genome position (GRCh38, 1-based): chr2:11,784,955, G>C. VCF-style: chr2-11784955-G-C. GRCh37 (hg19) VCF-style: chr2-11925081-G-C.
Other names: p.Gln440His; c.1338G>C, p.Gln446His (NM_001261427.3); c.1575G>C, p.Gln525His (NM_001261428.3); c.1320G>C, p.Gln440His (NM_001349199.2, NM_001349200.2, NM_001349201.2 and 1 more transcripts); c.1425G>C, p.Gln475His (NM_001349202.2, NM_001349203.2); c.1428G>C, p.Gln476His (NM_001349204.2, NM_001349205.2); c.1518G>C, p.Gln506His (NM_001349207.2); c.1467G>C, p.Gln489His (NM_001349208.2); short protein forms Q446H, Q476H, Q506H, Q525H, Q440H, Q475H, Q489H.
Identifiers: ClinVar variation 1352798 (VCV001352798.6), dbSNP rs1424021071, ClinGen allele CA345857475.